The following is an entry in ClinVar:

ClinVar aggregate classification (germline): Likely benign. Review status: criteria provided, multiple submitters, no conflicts (2 of 4 stars). 2 submissions from 2 submitters: Likely benign (2). Last evaluated 2024-04-29.

Conditions:
Hereditary breast ovarian cancer syndrome. Also called: Breast and ovarian cancer; Hereditary breast and/or ovarian cancer syndrome; BRCA1- and BRCA2-Associated Hereditary Breast and Ovarian Cancer; Hereditary breast and ovarian cancer syndrome; Hereditary breast and ovarian cancer syndrome (HBOC); Hereditary breast and ovarian cancer. Identifiers: Orphanet 145, MedGen C0677776, MeSH D061325, MONDO:0003582. Disease mechanism: loss of function.

Submissions (3):

Labcorp Genetics (formerly Invitae), Labcorp
Classification: Likely benign for Hereditary breast ovarian cancer syndrome. Last evaluated: 2024-04-29. Review status: criteria provided, single submitter. Criteria: Invitae Variant Classification Sherloc (09022015). Collection method: clinical testing. Allele origin: germline.

GeneDx
Classification: Likely benign. Last evaluated: 2017-05-09. Review status: criteria provided, single submitter. Criteria: GeneDx Variant Classification (06012015). Collection method: clinical testing. Allele origin: germline. Affected: yes.
Comment: This variant is considered likely benign or benign based on one or more of the following criteria: it is a conservative change, it occurs at a poorly conserved position in the protein, it is predicted to be benign by multiple in silico algorithms, and/or has population frequency not consistent with disease.

Brotman Baty Institute, University of Washington
No classification provided (evidence only). Condition: Breast-ovarian cancer, familial 1. Review status: no classification provided. Collection method: in vitro. Allele origin: not applicable. Functional consequence: functionally_normal. Not counted in ClinVar's aggregate classification.
ClinVar note: "not provided" was previously submitted as the classification for the variant. However, the classification appeared to be based only on an observation of functional data so it was converted to no classification on 2025-07-30.

NM_007294.4(BRCA1):c.5406+14G>T

Gene: BRCA1 (BRCA1 DNA repair associated; minus strand). Cytogenetic location: 17q21.31.
Variant type: single nucleotide variant.
Coding change: c.5406+14G>T on transcript NM_007294.4 (MANE Select); 14 bases into the intron after coding-DNA position 5406, G replaced by T.
Molecular consequence: intron variant.
Genome position (GRCh38, 1-based): chr17:43,049,107, C>A on the plus strand (G>T on the coding strand, the complement: BRCA1 is on the minus strand). VCF-style: chr17-43049107-C-A. GRCh37 (hg19) VCF-style: chr17-41201124-C-A.
Other names: c.5277+14G>T (NM_001407689.1, NM_001407681.1, NM_001407687.1 and 5 more transcripts); c.5280+14G>T (NM_001407670.1, NM_001407675.1, NM_001407680.1 and 8 more transcripts); c.1974+14G>T (NM_001408431.1, NM_001408425.1, NM_001408428.1 and 4 more transcripts); c.1977+14G>T (NM_001408424.1, NM_001408422.1, NM_001408423.1 and 1 more transcripts); c.2088+14G>T (NM_001408407.1, NM_001408406.1, NM_001408408.1); c.2091+14G>T (NM_001408402.1, NM_001408399.1, NM_001408403.1 and 7 more transcripts); c.2018-1404G>T (NM_001408473.1); c.2094+14G>T (NM_001407984.1, NM_001407983.1, NM_001407992.1 and 10 more transcripts); and 84 more.
Identifiers: ClinVar variation 509448 (VCV000509448.13), dbSNP rs1208169773, ClinGen allele CA500143270.
Genomic context (GRCh38, chr17:43,049,107, plus strand): 5'-ACTGACAGGTGCCAGTCTTGCTCACAGGAGAGAATATTGTGTCCTCCCTCTCTGACAGGG[C>A]ACCCAATACTTACTGTGCCAAGGGTGAATGATGAAAGCTCCTTCACCACAGAAGCACCAC-3'